The following is an entry in ClinVar:

ClinVar aggregate classification (germline): Uncertain significance (1 of 4 stars; one submission).

Conditions:
PLXNA4-related disorder. Also called: PLXNA4-related condition.

Submission:

PreventionGenetics, part of Exact Sciences
Classification: Uncertain significance for PLXNA4-related condition. Last evaluated: 2024-10-11. Review status: criteria provided, single submitter. Criteria: ACMG Guidelines, 2015. Collection method: clinical testing. Allele origin: germline.
Comment: The PLXNA4 c.1372delA variant is predicted to result in a frameshift and premature protein termination (p.Met458Cysfs*23). However, this variant is deep intronic in the primary transcript (NM_020911:c.1372-87073delA), and NM_001105543 has evidence of low expression based on RNA-sequencing data. To our knowledge, this variant has not been reported in the literature or in a large population database (gnomAD), indicating this variant is rare. Frameshift variants in PLXNA4 have not been established as a mechanism of disease. At this time, the clinical significance of this variant is uncertain due to the absence of conclusive functional and genetic evidence.

NM_020911.2(PLXNA4):c.1372-87073del

Gene: PLXNA4 (plexin A4; minus strand). Cytogenetic location: 7q32.3.
Variant type: Deletion.
Coding change: c.1372-87073del on transcript NM_020911.2 (MANE Select); 87073 bases into the intron before coding-DNA position 1372, one base deleted (A; older notation c.1372-87073delA).
Molecular consequence: intron variant. On other transcripts: frameshift variant (1).
Genome position (GRCh38, 1-based): chr7:132,385,295, T deleted on the plus strand (A on the coding strand, the reverse complement: PLXNA4 is on the minus strand). VCF-style (leftmost placement, unchanged base first): chr7-132385294-AT-A. GRCh37 (hg19) VCF-style: chr7-132070053-AT-A.
Other names: c.1372del, p.Met458fs (NM_001105543.2); c.1372-87073del (NM_001393897.1); short protein forms M458fs.
Identifiers: ClinVar variation 4986784 (VCV004986784.1).